The following is an entry in ClinVar:

ClinVar aggregate classification (germline): Conflicting classifications of pathogenicity. Review status: criteria provided, conflicting classifications (1 of 4 stars). 4 submissions from 4 submitters: Uncertain significance (1); Benign (1); Likely benign (1). 1 of the submissions does not count toward it. Last evaluated 2026-02-03.

Conditions:
Epilepsy, familial adult myoclonic, 5 (EPEO5). Also called: CORTICAL MYOCLONIC TREMOR WITH EPILEPSY, FAMILIAL, 5. Identifiers: Orphanet 86814, MedGen C3809374, MONDO:0014167, OMIM 615400.
CNTN2-related disorder. Also called: CNTN2-related condition.

Allele frequency attached by ClinVar (database versions not stated): 1000 Genomes Project 30x 0.00016; 1000 Genomes Project 0.00020; gnomAD 0.00034 and 0.00035; ExAC 0.00050; TOPMed 0.00042; gnomAD exomes 0.00044 and 0.00052; ESP Exome Variant Server 0.00008.
gnomAD v4.1: 721 of 1,613,278 alleles (0.045%); highest among the groups gnomAD compares: Non-Finnish European, 0.037%; 2 homozygotes.

Submissions (4):

Labcorp Genetics (formerly Invitae), Labcorp
Classification: Benign for Epilepsy, familial adult myoclonic, 5. Last evaluated: 2026-02-03. Review status: criteria provided, single submitter. Criteria: Invitae Variant Classification Sherloc (09022015). Collection method: clinical testing. Allele origin: germline.

Center for Genomics, Ann and Robert H. Lurie Children's Hospital of Chicago
Classification: Likely benign for Epilepsy, familial adult myoclonic, 5. Last evaluated: 2026-01-13. Review status: criteria provided, single submitter. Criteria: ACMG Guidelines, 2015. Collection method: clinical testing. Allele origin: germline.
Comment: BS1 (more common than most prevalent pathogenic variant), BP4 (REVEL = 0.174)

Ambry Genetics
Classification: Uncertain significance. Last evaluated: 2023-02-14. Review status: criteria provided, single submitter. Criteria: Ambry Variant Classification Scheme 2023. Collection method: clinical testing. Allele origin: germline.

PreventionGenetics, part of Exact Sciences
Classification: Benign for CNTN2-related condition. Last evaluated: 2021-02-05. Review status: no assertion criteria provided. Collection method: clinical testing. Allele origin: germline. Not counted in ClinVar's aggregate classification.
Comment: This variant is classified as benign based on ACMG/AMP sequence variant interpretation guidelines (Richards et al. 2015 PMID: 25741868, with internal and published modifications).

NM_005076.5(CNTN2):c.214C>T (p.Arg72Trp)

Gene: CNTN2 (contactin 2; plus strand). Cytogenetic location: 1q32.1.
Variant type: single nucleotide variant.
Coding change: c.214C>T on transcript NM_005076.5 (MANE Select); coding-DNA position 214, C replaced by T.
Protein change: p.Arg72Trp; replaces arginine 72 with tryptophan.
Molecular consequence: missense variant. On other transcripts: non-coding transcript variant (1).
Genome position (GRCh38, 1-based): chr1:205,058,064, C>T. VCF-style: chr1-205058064-C-T. GRCh37 (hg19) VCF-style: chr1-205027192-C-T.
Other names: c.214C>T (NM_005076.4); c.214C>T, p.Arg72Trp (NM_001346083.2); short protein forms R72W.
Identifiers: ClinVar variation 772060 (VCV000772060.17), dbSNP rs149564430, ClinGen allele CA1350950.